The following is an entry in ClinVar:

ClinVar aggregate classification (germline): Uncertain significance (1 of 4 stars; one submission).

Conditions:
Hereditary nonpolyposis colorectal neoplasms. Identifiers: MedGen C0009405, MeSH D003123.

Submission:

Labcorp Genetics (formerly Invitae), Labcorp
Classification: Uncertain significance for Hereditary nonpolyposis colorectal neoplasms. Last evaluated: 2024-01-29. Review status: criteria provided, single submitter. Criteria: Invitae Variant Classification Sherloc (09022015). Collection method: clinical testing. Allele origin: germline.
Comment: This sequence change replaces alanine, which is neutral and non-polar, with serine, which is neutral and polar, at codon 630 of the MSH6 protein (p.Ala630Ser). This variant is not present in population databases (gnomAD no frequency). This variant has not been reported in the literature in individuals affected with MSH6-related conditions. Advanced modeling of protein sequence and biophysical properties (such as structural, functional, and spatial information, amino acid conservation, physicochemical variation, residue mobility, and thermodynamic stability) performed at Invitae indicates that this missense variant is not expected to disrupt MSH6 protein function with a negative predictive value of 95%. In summary, the available evidence is currently insufficient to determine the role of this variant in disease. Therefore, it has been classified as a Variant of Uncertain Significance.

NM_000179.3(MSH6):c.1888G>T (p.Ala630Ser)

Gene: MSH6 (mutS homolog 6; plus strand). Cytogenetic location: 2p16.3.
Variant type: single nucleotide variant.
Coding change: c.1888G>T on transcript NM_000179.3 (MANE Select); coding-DNA position 1888, G replaced by T.
Protein change: p.Ala630Ser; replaces alanine 630 with serine.
Molecular consequence: missense variant. On other transcripts: intron variant (2), non-coding transcript variant (5).
Genome position (GRCh38, 1-based): chr2:47,799,871, G>T. VCF-style: chr2-47799871-G-T. GRCh37 (hg19) VCF-style: chr2-48027010-G-T.
Other names: c.1591G>T, p.Ala531Ser (NM_001406824.1, NM_001406797.1, NM_001406801.1 and 10 more transcripts); c.1606+282G>T (NM_001406817.1); c.628-795G>T (NM_001407362.1); c.982G>T, p.Ala328Ser (NM_001281494.2, NM_001406814.1, NM_001406815.1 and 6 more transcripts); c.1984G>T, p.Ala662Ser (NM_001406795.1, NM_001406802.1); c.1888G>T, p.Ala630Ser (NM_001406796.1, NM_001406798.1, NM_001406800.1 and 3 more transcripts); c.1363G>T, p.Ala455Ser (NM_001406799.1, NM_001406806.1, NM_001406807.1); c.1810G>T, p.Ala604Ser (NM_001406804.1); and 3 more; short protein forms A328S, A455S, A662S, A500S, A531S, A574S, A604S, A630S.
Identifiers: ClinVar variation 2915275 (VCV002915275.3), dbSNP rs1572724808, ClinGen allele CA346750030.
Genomic context (GRCh38, chr2:47,799,871, plus strand): 5'-AAGAGTTCATTGTCCTGTTCTCTTCAGGAAGGTCTGATACCCGGCTCCCAGTTTTGGGAT[G>T]CATCCAAAACTTTGAGAACTCTCCTTGAGGAAGAATATTTTAGGGAAAAGCTAAGTGATG-3'
Protein context (NP_000170.1, residues 620-640): GLIPGSQFWD[Ala630Ser]SKTLRTLLEE